The following is an entry in ClinVar:

NM_052872.4(IL17F):c.361G>A (p.Val121Ile)

Gene: IL17F (interleukin 17F; minus strand). Cytogenetic location: 6p12.2.
Variant type: single nucleotide variant.
Coding change: c.361G>A on transcript NM_052872.4 (MANE Select); coding-DNA position 361, G replaced by A.
Protein change: p.Val121Ile; replaces valine 121 with isoleucine.
Molecular consequence: missense variant.
Genome position (GRCh38, 1-based): chr6:52,237,062, C>T on the plus strand (G>A on the coding strand, the complement: IL17F is on the minus strand). VCF-style: chr6-52237062-C-T. GRCh37 (hg19) VCF-style: chr6-52101860-C-T.
Other names: short protein forms V121I.
Identifiers: ClinVar variation 1041022 (VCV001041022.7), dbSNP rs550486674, ClinGen allele CA3854370.

ClinVar aggregate classification (germline): Uncertain significance (1 of 4 stars; one submission).

Conditions:
Candidiasis, familial, 6 (CANDF6). Also called: Candidiasis, familial, 6, autosomal dominant. Identifiers: Orphanet 1334, MedGen C3151405, MONDO:0013503, OMIM 613956.

Allele frequency attached by ClinVar (database versions not stated): gnomAD 0.00001 and 0.00002; TOPMed 0.00001; gnomAD exomes 0.00002 and 0.00004; ExAC 0.00004; 1000 Genomes Project 30x 0.00016; 1000 Genomes Project 0.00020.
gnomAD v4.1: 34 of 1,614,208 alleles (0.0021%); highest among the groups gnomAD compares: East Asian, 0.02%; no homozygotes.

Submission:

Labcorp Genetics (formerly Invitae), Labcorp
Classification: Uncertain significance for Candidiasis, familial, 6. Last evaluated: 2024-06-25. Review status: criteria provided, single submitter. Criteria: Invitae Variant Classification Sherloc (09022015). Collection method: clinical testing. Allele origin: germline.
Comment: This sequence change replaces valine, which is neutral and non-polar, with isoleucine, which is neutral and non-polar, at codon 121 of the IL17F protein (p.Val121Ile). This variant is present in population databases (rs550486674, gnomAD 0.03%). This variant has not been reported in the literature in individuals affected with IL17F-related conditions. ClinVar contains an entry for this variant (Variation ID: 1041022). An algorithm developed to predict the effect of missense changes on protein structure and function (PolyPhen-2) suggests that this variant is likely to be disruptive. In summary, the available evidence is currently insufficient to determine the role of this variant in disease. Therefore, it has been classified as a Variant of Uncertain Significance.